The following is an entry in ClinVar:

ClinVar aggregate classification (germline): Uncertain significance. Review status: criteria provided, multiple submitters, no conflicts (2 of 4 stars). 2 submissions from 2 submitters: Uncertain significance (2). Last evaluated 2022-12-02.

Conditions:
Inborn genetic diseases. Identifiers: MedGen C0950123, MeSH D030342.

Allele frequency attached by ClinVar (database versions not stated): gnomAD exomes below 0.00001 and 0.00002; TOPMed below 0.00001; gnomAD 0.00001; ExAC 0.00002; 1000 Genomes Project 0.00020; 1000 Genomes Project 30x 0.00031.
gnomAD v4.1: 8 of 1,614,184 alleles (0.0005%); highest among the groups gnomAD compares: East Asian, 0.0067%; no homozygotes.

Submissions (2):

Ambry Genetics
Classification: Uncertain significance for Inborn genetic diseases. Last evaluated: 2022-12-02. Review status: criteria provided, single submitter. Criteria: Ambry Variant Classification Scheme 2023. Collection method: clinical testing. Allele origin: germline.

Labcorp Genetics (formerly Invitae), Labcorp
Classification: Uncertain significance. Last evaluated: 2022-02-05. Review status: criteria provided, single submitter. Criteria: Invitae Variant Classification Sherloc (09022015). Collection method: clinical testing. Allele origin: germline.
Comment: This sequence change replaces serine, which is neutral and polar, with cysteine, which is neutral and slightly polar, at codon 381 of the FREM2 protein (p.Ser381Cys). This variant is present in population databases (rs200453874, gnomAD 0.01%). This variant has not been reported in the literature in individuals affected with FREM2-related conditions. Algorithms developed to predict the effect of missense changes on protein structure and function are either unavailable or do not agree on the potential impact of this missense change (SIFT: "Deleterious"; PolyPhen-2: "Benign"; Align-GVGD: "Class C0"). In summary, the available evidence is currently insufficient to determine the role of this variant in disease. Therefore, it has been classified as a Variant of Uncertain Significance.

NM_207361.6(FREM2):c.1142C>G (p.Ser381Cys)

Gene: FREM2 (FRAS1 related extracellular matrix 2; plus strand). Cytogenetic location: 13q13.3.
Variant type: single nucleotide variant.
Coding change: c.1142C>G on transcript NM_207361.6 (MANE Select); coding-DNA position 1142, C replaced by G.
Protein change: p.Ser381Cys; replaces serine 381 with cysteine.
Molecular consequence: missense variant.
Genome position (GRCh38, 1-based): chr13:38,688,486, C>G. VCF-style: chr13-38688486-C-G. GRCh37 (hg19) VCF-style: chr13-39262623-C-G.
Other names: c.1142C>G (NM_207361.4); short protein forms S381C.
Identifiers: ClinVar variation 1431365 (VCV001431365.6), dbSNP rs200453874, ClinGen allele CA6954348.